The following is an entry in ClinVar:

ClinVar aggregate classification (germline): Likely pathogenic (1 of 4 stars; one submission).

Submission:

Labcorp Genetics (formerly Invitae), Labcorp
Classification: Likely pathogenic. Last evaluated: 2023-06-15. Review status: criteria provided, single submitter. Criteria: Invitae Variant Classification Sherloc (09022015). Collection method: clinical testing. Allele origin: germline.
Comment: This variant is not present in population databases (gnomAD no frequency). This sequence change affects an acceptor splice site in intron 2 of the TREM2 gene. It is expected to disrupt RNA splicing. Variants that disrupt the donor or acceptor splice site typically lead to a loss of protein function (PMID: 16199547), and loss-of-function variants in TREM2 are known to be pathogenic (PMID: 12080485, 12754369, 12883936, 12925681, 23318515, 23582655). This variant has not been reported in the literature in individuals affected with TREM2-related conditions. In summary, the currently available evidence indicates that the variant is pathogenic, but additional data are needed to prove that conclusively. Therefore, this variant has been classified as Likely Pathogenic. Algorithms developed to predict the effect of sequence changes on RNA splicing suggest that this variant may disrupt the consensus splice site.

Literature cited by the submitters: PubMed 16199547; PubMed 12080485; PubMed 12754369; PubMed 12883936; PubMed 12925681; PubMed 23318515; PubMed 23582655.

NM_018965.4(TREM2):c.392-2A>T

Gene: TREM2 (triggering receptor expressed on myeloid cells 2; minus strand). Cytogenetic location: 6p21.1.
Variant type: single nucleotide variant.
Coding change: c.392-2A>T on transcript NM_018965.4 (MANE Select); the canonical splice acceptor site of the intron before coding-DNA position 392, A replaced by T.
Molecular consequence: splice acceptor variant.
Genome position (GRCh38, 1-based): chr6:41,159,884, T>A on the plus strand (A>T on the coding strand, the complement: TREM2 is on the minus strand). VCF-style: chr6-41159884-T-A. GRCh37 (hg19) VCF-style: chr6-41127622-T-A.
Other names: c.392-2A>T (NM_001271821.2).
Identifiers: ClinVar variation 2715444 (VCV002715444.3), dbSNP rs2532385605, ClinGen allele CA364058295.